The following is an entry in ClinVar:

NM_001040108.2(MLH3):c.273T>A (p.Gly91=)

Gene: MLH3 (mutL homolog 3; minus strand). Cytogenetic location: 14q24.3.
Variant type: single nucleotide variant.
Coding change: c.273T>A on transcript NM_001040108.2 (MANE Select); coding-DNA position 273, T replaced by A.
Protein change: p.Gly91=; no amino-acid change (glycine 91 retained).
Molecular consequence: synonymous variant.
Genome position (GRCh38, 1-based): chr14:75,049,383, A>T on the plus strand (T>A on the coding strand, the complement: MLH3 is on the minus strand). VCF-style: chr14-75049383-A-T. GRCh37 (hg19) VCF-style: chr14-75516086-A-T.
Other names: c.273T>A, p.Gly91= (NM_014381.3).
Identifiers: ClinVar variation 2448647 (VCV002448647.3), dbSNP rs761406011, ClinGen allele CA487274313.

ClinVar aggregate classification (germline): Benign/Likely benign. Review status: criteria provided, multiple submitters, no conflicts (2 of 4 stars). 2 submissions from 2 submitters: Benign (1); Likely benign (1). Last evaluated 2026-04-28.

Conditions:
Colorectal cancer, hereditary nonpolyposis, type 7. Identifiers: Orphanet 144, MedGen C1858380, MONDO:0013725, OMIM 614385.

gnomAD v4.1: 5 of 1,614,022 alleles (0.00031%); highest among the groups gnomAD compares: Non-Finnish European, 0.00042%; no homozygotes.

Submissions (2):

Myriad Genetics, Inc.
Classification: Benign for Colorectal cancer, hereditary nonpolyposis, type 7. Last evaluated: 2026-04-28. Review status: criteria provided, single submitter. Criteria: Myriad Autosomal Dominant, Autosomal Recessive and X-Linked Classification Criteria (2023). Collection method: clinical testing. Allele origin: unknown.
Comment: This variant is considered benign. This variant is a silent/synonymous amino acid change and it is not expected to impact splicing.

Ambry Genetics
Classification: Likely benign. Last evaluated: 2023-01-12. Review status: criteria provided, single submitter. Criteria: Ambry Variant Classification Scheme 2023. Collection method: clinical testing. Allele origin: germline.